The following is an entry in ClinVar:

NM_001039111.3(TRIM71):c.2115T>C (p.Asp705=)

Gene: TRIM71 (tripartite motif containing 71; plus strand). Cytogenetic location: 3p22.3.
Variant type: single nucleotide variant.
Coding change: c.2115T>C on transcript NM_001039111.3 (MANE Select); coding-DNA position 2115, T replaced by C.
Protein change: p.Asp705=; no amino-acid change (aspartic acid 705 retained).
Molecular consequence: synonymous variant.
Genome position (GRCh38, 1-based): chr3:32,891,319, T>C. VCF-style: chr3-32891319-T-C. GRCh37 (hg19) VCF-style: chr3-32932811-T-C.
Identifiers: ClinVar variation 3354486 (VCV003354486.1).

ClinVar aggregate classification (germline): Likely benign (0 of 4 stars; one submission).

Conditions:
TRIM71-related disorder. Also called: TRIM71-related condition.

gnomAD v4.1: 4 of 1,614,100 alleles (0.00025%); highest among the groups gnomAD compares: Admixed American, 0.005%; no homozygotes.

Submission:

PreventionGenetics, part of Exact Sciences
Classification: Likely benign for TRIM71-related condition. Last evaluated: 2022-07-29. Review status: no assertion criteria provided. Collection method: clinical testing. Allele origin: germline.
Comment: This variant is classified as likely benign based on ACMG/AMP sequence variant interpretation guidelines (Richards et al. 2015 PMID: 25741868, with internal and published modifications).